The following is an entry in ClinVar:

ClinVar aggregate classification (germline): Likely benign (1 of 4 stars; one submission).

gnomAD v4.1: 1 of 1,573,992 alleles (0.000064%); highest among the groups gnomAD compares: South Asian, 0.0011%; no homozygotes.

Submission:

CeGaT Center for Human Genetics Tuebingen
Classification: Likely benign. Last evaluated: 2025-02-01. Review status: criteria provided, single submitter. Criteria: CeGaT Center For Human Genetics Tuebingen Variant Classification Criteria Version 2. Collection method: clinical testing. Allele origin: germline. Affected: yes. Observed: 1 variant allele.
Comment: OR13C5: BP4, BP7

NM_001004482.1(OR13C5):c.246A>C (p.Leu82=)

Gene: OR13C5 (olfactory receptor family 13 subfamily C member 5; minus strand). Cytogenetic location: 9q31.1.
Variant type: single nucleotide variant.
Coding change: c.246A>C on transcript NM_001004482.1 (MANE Select); coding-DNA position 246, A replaced by C.
Protein change: p.Leu82=; no amino-acid change (leucine 82 retained).
Molecular consequence: synonymous variant.
Genome position (GRCh38, 1-based): chr9:104,599,168, T>G on the plus strand (A>C on the coding strand, the complement: OR13C5 is on the minus strand). VCF-style: chr9-104599168-T-G. GRCh37 (hg19) VCF-style: chr9-107361449-T-G.
Identifiers: ClinVar variation 3771261 (VCV003771261.13).
Genomic context (GRCh38, chr9:104,599,168, plus strand): 5'-GAACATCTGCACTGCACAGCCAGAAAGGGAAATGGTCTTTCTTTCTGAAAGGAAGCTCAC[T>G]AGCGTGGAGGGAATAGAGGTGGTGGTGTAGCAGATGTCCAAGAAGGAGAGGTTCCCCAGA-3'
Protein context (NP_001004482.1, residues 72-92): CYTTTSIPST[Leu82=]VSFLSERKTI